The following is an entry in ClinVar:

ClinVar aggregate classification (germline): Uncertain significance (1 of 4 stars; one submission).

Allele frequency attached by ClinVar (database versions not stated): gnomAD 0.00002 and 0.00004; TOPMed 0.00002; gnomAD exomes 0.00004 and 0.00005; ExAC 0.00006; 1000 Genomes Project 30x 0.00031; 1000 Genomes Project 0.00040.
gnomAD v4.1: 55 of 1,611,118 alleles (0.0034%); highest among the groups gnomAD compares: South Asian, 0.034%; 2 homozygotes.

Submission:

GeneDx
Classification: Uncertain significance. Last evaluated: 2019-07-18. Review status: criteria provided, single submitter. Criteria: GeneDx Variant Classification Process June 2021. Collection method: clinical testing. Allele origin: germline. Affected: yes.
Comment: In silico analysis, which includes protein predictors and evolutionary conservation, supports a deleterious effect; Has not been previously published as pathogenic or benign to our knowledge

NM_139281.3(WDR36):c.1700G>A (p.Gly567Asp)

Gene: WDR36 (WD repeat domain 36; plus strand). Cytogenetic location: 5q22.1.
Variant type: single nucleotide variant.
Coding change: c.1700G>A on transcript NM_139281.3 (MANE Select); coding-DNA position 1700, G replaced by A.
Protein change: p.Gly567Asp; replaces glycine 567 with aspartic acid.
Molecular consequence: missense variant.
Genome position (GRCh38, 1-based): chr5:111,111,262, G>A. VCF-style: chr5-111111262-G-A. GRCh37 (hg19) VCF-style: chr5-110446961-G-A.
Other names: short protein forms G567D.
Identifiers: ClinVar variation 1306847 (VCV001306847.2), dbSNP rs543026736, ClinGen allele CA3365748.
Genomic context (GRCh38, chr5:111,111,262, plus strand): 5'-CCATTAGTGTTCTGGACATAGAAACTAGGAAGATTGTCAGAGAGTTTTCTGGACACCAAG[G>A]CCAAATAAATGACATGGTAAAACAAACTCTAACTAATAAAACTTGACTCATTTCTACTTT-3'
Protein context (NP_644810.2, residues 557-577): KIVREFSGHQ[Gly567Asp]QINDMAFSPD